The following is an entry in ClinVar:

ClinVar aggregate classification (germline): Benign. Review status: criteria provided, multiple submitters, no conflicts (2 of 4 stars). 6 submissions from 6 submitters: Benign (5). 1 of the submissions does not count toward it. Last evaluated 2026-03-30.

Conditions:
ADAMTS2-related disorder. Also called: ADAMTS2-related condition.
Ehlers-Danlos syndrome, dermatosparaxis type. Also called: EDS VIIC; Ehlers-Danlos syndrome, type VII, autosomal recessive; Dermatosparaxis. Identifiers: Orphanet 1901, MedGen C2700425, MONDO:0009161, OMIM 225410.

Allele frequency attached by ClinVar (database versions not stated): ExAC 0.00323; gnomAD 0.01013; TOPMed 0.01119; ESP Exome Variant Server 0.01192; 1000 Genomes Project 0.01238; 1000 Genomes Project 30x 0.01327.
gnomAD v4.1: 3,060 of 1,614,108 alleles (0.19%); highest among the groups gnomAD compares: African/African-American, 3.6%; 59 homozygotes.

Submissions (6):

Women's Health and Genetics/Laboratory Corporation of America, LabCorp
Classification: Benign. Last evaluated: 2026-03-30. Review status: criteria provided, single submitter. Criteria: LabCorp Variant Classification Summary - May 2015. Collection method: clinical testing. Allele origin: germline.

Labcorp Genetics (formerly Invitae), Labcorp
Classification: Benign for Ehlers-Danlos syndrome, dermatosparaxis type. Last evaluated: 2026-02-04. Review status: criteria provided, single submitter. Criteria: Invitae Variant Classification Sherloc (09022015). Collection method: clinical testing. Allele origin: germline.

Mayo Clinic Laboratories, Mayo Clinic
Classification: Benign. Last evaluated: 2019-12-31. Review status: criteria provided, single submitter. Criteria: ACMG Guidelines, 2015. Collection method: clinical testing. Allele origin: germline. Observed: 15 variant alleles.

Illumina Laboratory Services, Illumina
Classification: Benign for Ehlers-Danlos syndrome, dermatosparaxis type. Last evaluated: 2018-01-13. Review status: criteria provided, single submitter. Criteria: ICSL Variant Classification Criteria 13 December 2019. Collection method: clinical testing. Allele origin: germline.
Comment: This variant was observed in the ICSL laboratory as part of a predisposition screen in an ostensibly healthy population. It had not been previously curated by ICSL or reported in the Human Gene Mutation Database (HGMD: prior to June 1st, 2018), and was therefore a candidate for classification through an automated scoring system. Utilizing variant allele frequency, disease prevalence and penetrance estimates, and inheritance mode, an automated score was calculated to assess if this variant is too frequent to cause the disease. Based on the score and internal cut-off values, a variant classified as benign is not then subjected to further curation. The score for this variant resulted in a classification of benign for this disease.

GeneDx
Classification: Benign. Last evaluated: 2017-01-09. Review status: criteria provided, single submitter. Criteria: GeneDx Variant Classification (06012015). Collection method: clinical testing. Allele origin: germline. Affected: yes.
Comment: This variant is considered likely benign or benign based on one or more of the following criteria: it is a conservative change, it occurs at a poorly conserved position in the protein, it is predicted to be benign by multiple in silico algorithms, and/or has population frequency not consistent with disease.

PreventionGenetics, part of Exact Sciences
Classification: Benign for ADAMTS2-related condition. Last evaluated: 2019-05-20. Review status: no assertion criteria provided. Collection method: clinical testing. Allele origin: germline. Not counted in ClinVar's aggregate classification.
Comment: This variant is classified as benign based on ACMG/AMP sequence variant interpretation guidelines (Richards et al. 2015 PMID: 25741868, with internal and published modifications).

NM_014244.5(ADAMTS2):c.3480C>A (p.Ala1160=)

Gene: ADAMTS2 (ADAM metallopeptidase with thrombospondin type 1 motif 2; minus strand). Cytogenetic location: 5q35.3.
Variant type: single nucleotide variant.
Coding change: c.3480C>A on transcript NM_014244.5 (MANE Select); coding-DNA position 3480, C replaced by A.
Protein change: p.Ala1160=; no amino-acid change (alanine 1160 retained).
Molecular consequence: synonymous variant.
Genome position (GRCh38, 1-based): chr5:179,114,023, G>T on the plus strand (C>A on the coding strand, the complement: ADAMTS2 is on the minus strand). VCF-style: chr5-179114023-G-T. GRCh37 (hg19) VCF-style: chr5-178541024-G-T.
Other names: p.Ala1160=.
Identifiers: ClinVar variation 353085 (VCV000353085.19), dbSNP rs34437036, ClinGen allele CA3595222.